The following is an entry in ClinVar:

ClinVar aggregate classification (germline): Uncertain significance (1 of 4 stars; one submission).

Allele frequency attached by ClinVar (database versions not stated): gnomAD exomes 0.00001; ExAC 0.00002; gnomAD 0.00002; 1000 Genomes Project 30x 0.00031; 1000 Genomes Project 0.00040.
gnomAD v4.1: 28 of 1,612,266 alleles (0.0017%); highest among the groups gnomAD compares: Middle Eastern, 0.033%; no homozygotes.

Submission:

Labcorp Genetics (formerly Invitae), Labcorp
Classification: Uncertain significance. Last evaluated: 2022-06-10. Review status: criteria provided, single submitter. Criteria: Invitae Variant Classification Sherloc (09022015). Collection method: clinical testing. Allele origin: germline.
Comment: This sequence change replaces glutamic acid, which is acidic and polar, with aspartic acid, which is acidic and polar, at codon 31 of the BOLA3 protein (p.Glu31Asp). This variant is present in population databases (rs200756528, gnomAD 0.01%). This variant has not been reported in the literature in individuals affected with BOLA3-related conditions. Algorithms developed to predict the effect of missense changes on protein structure and function output the following: SIFT: "Tolerated"; PolyPhen-2: "Benign"; Align-GVGD: "Class C0". The aspartic acid amino acid residue is found in multiple mammalian species, which suggests that this missense change does not adversely affect protein function. In summary, the available evidence is currently insufficient to determine the role of this variant in disease. Therefore, it has been classified as a Variant of Uncertain Significance.

NM_212552.3(BOLA3):c.93G>C (p.Glu31Asp)

Gene: BOLA3 (bolA family member 3; minus strand). Cytogenetic location: 2p13.1.
Variant type: single nucleotide variant.
Coding change: c.93G>C on transcript NM_212552.3 (MANE Select); coding-DNA position 93, G replaced by C.
Protein change: p.Glu31Asp; replaces glutamic acid 31 with aspartic acid.
Molecular consequence: missense variant.
Genome position (GRCh38, 1-based): chr2:74,145,265, C>G on the plus strand (G>C on the coding strand, the complement: BOLA3 is on the minus strand). VCF-style: chr2-74145265-C-G. GRCh37 (hg19) VCF-style: chr2-74372392-C-G.
Other names: c.93G>C, p.Glu31Asp (NM_001035505.2); short protein forms E31D.
Identifiers: ClinVar variation 2084593 (VCV002084593.1), dbSNP rs200756528, ClinGen allele CA1719499.